The following is an entry in ClinVar:

NM_001711.6(BGN):c.223C>T (p.Gln75Ter)

Gene: BGN (biglycan; plus strand). Cytogenetic location: Xq28.
Variant type: single nucleotide variant.
Coding change: c.223C>T on transcript NM_001711.6 (MANE Select); coding-DNA position 223, C replaced by T.
Protein change: p.Gln75Ter; replaces glutamine 75 with a stop codon.
Molecular consequence: nonsense.
Genome position (GRCh38, 1-based): chrX:153,504,854, C>T. VCF-style: chrX-153504854-C-T. GRCh37 (hg19) VCF-style: chrX-152770312-C-T.
Other names: short protein forms Q75*.
Identifiers: ClinVar variation 1699103 (VCV001699103.10), dbSNP rs1556992691, ClinGen allele CA415068649.
Genomic context (GRCh38, chrX:153,504,854, plus strand): 5'-GTCACACCCACCTACAGCGCCATGTGTCCTTTCGGCTGCCACTGCCACCTGCGGGTGGTT[C>T]AGTGCTCCGACCTGGGTTTGTCCCTGAGTGATGGGGAGCGGGGCATGCAGGGAGGCTCAG-3'

ClinVar aggregate classification (germline): Pathogenic/Likely pathogenic. Review status: criteria provided, multiple submitters, no conflicts (2 of 4 stars). 3 submissions from 3 submitters: Pathogenic (1); Likely pathogenic (2). Last evaluated 2023-10-20.

Conditions:
Meester-Loeys syndrome. Also called: X-linked severe syndromic thoracic aortic aneurysm and dissection. Identifiers: Orphanet 622925, MedGen C4310811, MONDO:0010515, OMIM 300989.

Allele frequency attached by ClinVar (database versions not stated): TOPMed below 0.00001; gnomAD 0.00001.
gnomAD v4.1: 1 of 1,204,572 alleles (0.000083%); highest among the groups gnomAD compares: Non-Finnish European, 0.00011%; no homozygotes.

Submissions (3):

Centre of Medical Genetics, University of Antwerp
Classification: Likely pathogenic for Meester-Loeys syndrome. Last evaluated: 2023-10-20. Review status: criteria provided, single submitter. Criteria: ACMG Guidelines, 2015. Collection method: research. Allele origin: maternal. Affected: no.

Labcorp Genetics (formerly Invitae), Labcorp
Classification: Pathogenic. Last evaluated: 2023-07-21. Review status: criteria provided, single submitter. Criteria: Invitae Variant Classification Sherloc (09022015). Collection method: clinical testing. Allele origin: germline.
Comment: This sequence change creates a premature translational stop signal (p.Gln75*) in the BGN gene. It is expected to result in an absent or disrupted protein product. Loss-of-function variants in BGN are known to be pathogenic (PMID: 17502576, 27632686). This variant is not present in population databases (gnomAD no frequency). This variant has not been reported in the literature in individuals affected with BGN-related conditions. ClinVar contains an entry for this variant (Variation ID: 1699103). For these reasons, this variant has been classified as Pathogenic.

Victorian Clinical Genetics Services, Murdoch Childrens Research Institute
Classification: Likely pathogenic for Meester-Loeys syndrome. Last evaluated: 2022-02-02. Review status: criteria provided, single submitter. Criteria: ACMG Guidelines, 2015. Collection method: clinical testing. Allele origin: germline.
Comment: Based on the classification scheme VCGS_Germline_v1.3.4, this variant is classified as likely pathogenic. The following criteria are met: 0102 - Loss of function is mechanism of disease in this gene and is associated with Meester-Loeys syndrome (MIM#300989) and X-linked spondyloepimetaphyseal dysplasia (MIM#300106). (I) 0109 - This gene is associated with X-linked recessive disease. (I) 0201 - Variant is predicted to cause nonsense-mediated decay (NMD) and loss of protein (premature termination codon is located at least 54 nucleotides upstream of the final exon-exon junction). (SP) 0251 - This variant is heterozygous. (I) 0304 - Variant is present in gnomAD <0.01 for a recessive condition (v3) (1 heterozygote, 0 homozygotes, 0 hemizygotes). (SP) 0807 - This variant has no previous evidence of pathogenicity. (I) 0905 - No published segregation evidence has been identified for this variant. (I) 1007 - No published functional evidence has been identified for this variant. (I) 0702 - Other NMD-predicted variants comparable to the one identified in this case have strong previous evidence for pathogenicity. At least three other premature termination codon variants have previously been reported as disease causing, in addition to two copy number variants (CNV) affecting all the coding exons of the gene (exon 2-8) (ClinVar; PMID: 27632686). (SP) Legend: (SP) - Supporting pathogenic, (I) - Information, (SB) - Supporting benign

Literature cited by the submitters: PubMed 17502576 (cited by Labcorp Genetics (formerly Invitae), Labcorp); PubMed 27632686 (cited by Labcorp Genetics (formerly Invitae), Labcorp and Victorian Clinical Genetics Services, Murdoch Childrens Research Institute).